The following is an entry in ClinVar:

NM_000277.3(PAH):c.452A>G (p.Asp151Gly)

Gene: PAH (phenylalanine hydroxylase; minus strand). Cytogenetic location: 12q23.2.
Variant type: single nucleotide variant.
Coding change: c.452A>G on transcript NM_000277.3 (MANE Select); coding-DNA position 452, A replaced by G.
Protein change: p.Asp151Gly; replaces aspartic acid 151 with glycine.
Molecular consequence: missense variant.
Genome position (GRCh38, 1-based): chr12:102,866,653, T>C on the plus strand (A>G on the coding strand, the complement: PAH is on the minus strand). VCF-style: chr12-102866653-T-C. GRCh37 (hg19) VCF-style: chr12-103260431-T-C.
Other names: NM_000277.3(PAH):c.452A>G; p.Asp151Gly; c.452A>G, p.Asp151Gly (NM_001354304.2); short protein forms D151G.
Identifiers: ClinVar variation 102683 (VCV000102683.3), dbSNP rs199475625, ClinGen allele CA229554.

ClinVar aggregate classification (germline): Likely pathogenic. Review status: reviewed by expert panel (3 of 4 stars). 2 submissions from 2 submitters: Likely pathogenic (1). 1 of the submissions does not count toward it. Last evaluated 2024-11-17.

Conditions:
Phenylketonuria (PKU). Also called: Phenylketonuria (PKU); FOLLING DISEASE; OLIGOPHRENIA PHENYLPYRUVICA; Phenylketonurias. Identifiers: Orphanet 716, MedGen C0031485, MONDO:0009861, OMIM 261600. Disease mechanism: loss of function.

Submissions (2):

ClinGen PAH Variant Curation Expert Panel
Classification: Likely pathogenic for Phenylketonuria. Last evaluated: 2024-11-17. Review status: reviewed by expert panel. Criteria: ClinGen PAH ACMG Specifications v1. Collection method: curation. Allele origin: germline. Inheritance: Autosomal recessive inheritance.
Comment: It is absent from gnomAD. Multiple lines of computational evidence support a deleterious effect (REVEL=0.98). In summary, this variant meets criteria to be classified as likely pathogenic for PAH. PAH-specific ACMG/AMP criteria applied: PM2_supporting, PP3_strong, PP4.

DeBelle Laboratory for Biochemical Genetics, MUHC/MCH RESEARCH INSTITUTE
No classification provided. Review status: no classification provided. Collection method: not provided. Allele origin: not provided. Not counted in ClinVar's aggregate classification.